The following is an entry in ClinVar:

ClinVar aggregate classification (germline): Uncertain significance (1 of 4 stars; one submission).

Conditions:
Intellectual developmental disorder, X-linked, syndromic 33. Also called: X-linked intellectual disability-global development delay-facial dysmorphism-sacral caudal remnant syndrome; Intellectual disability, X-linked, syndromic 33. Identifiers: Orphanet 480907, MedGen C4225418, MONDO:0010500, OMIM 300966.

Submission:

HudsonAlpha Institute for Biotechnology
Classification: Uncertain significance for Intellectual developmental disorder, X-linked, syndromic 33. Last evaluated: 2021-01-25. Review status: criteria provided, single submitter. Criteria: ACMG Guidelines, 2015. Collection method: research. Allele origin: unknown. Observed: 1 variant allele. Study: HudsonAlpha-AGHI-WGS.
Comment: ACMG codes:PM2,PM4

NM_004606.5(TAF1):c.2498_2500del (p.Lys833_Ala834delinsThr)

Gene: TAF1 (TATA-box binding protein associated factor 1; plus strand). Cytogenetic location: Xq13.1.
Variant type: Deletion.
Coding change: c.2498_2500del on transcript NM_004606.5 (MANE Select); coding-DNA positions 2498 to 2500, 3 bases deleted (AAG; older notation c.2498_2500delAAG).
Protein change: p.Lys833_Ala834delinsThr.
Molecular consequence: inframe indel. On other transcripts: non-coding transcript variant (9).
Genome position (GRCh38, 1-based): chrX:71,388,307-71,388,309, AAG deleted. VCF-style (leftmost placement, unchanged base first): chrX-71388306-AAAG-A. GRCh37 (hg19) VCF-style: chrX-70608156-AAAG-A.
Other names: c.2498_2500del, p.Lys833_Ala834delinsThr (NM_001286074.2); c.2435_2437del, p.Lys812_Ala813delinsThr (NM_138923.4).
Identifiers: ClinVar variation 1251932 (VCV001251932.1), dbSNP rs2148336854, ClinGen allele CA2499226848.
Genomic context (GRCh38, chrX:71,388,306, plus strand): 5'-TACCGCCTTTTCTGGAAAAGTAAAGATCGGCCACGGAGGATACGAATGGAAGATATAAAA[AAAG>A]CCTTTCCTTCCCATTCAGAAAGCAGCATCCGGAAGAGGCTAAAGCTCTGCGCTGACTTCA-3'